The following is an entry in ClinVar:

NM_000245.4(MET):c.2794A>C (p.Thr932Pro)

Gene: MET (MET proto-oncogene, receptor tyrosine kinase; plus strand). Cytogenetic location: 7q31.2.
Variant type: single nucleotide variant.
Coding change: c.2794A>C on transcript NM_000245.4 (MANE Select); coding-DNA position 2794, A replaced by C.
Protein change: p.Thr932Pro; replaces threonine 932 with proline.
Molecular consequence: missense variant.
Genome position (GRCh38, 1-based): chr7:116,771,561, A>C. VCF-style: chr7-116771561-A-C. GRCh37 (hg19) VCF-style: chr7-116411615-A-C.
Other names: c.2848A>C, p.Thr950Pro (NM_001127500.3); c.1504A>C, p.Thr502Pro (NM_001324402.2); short protein forms T950P, T502P, T932P.
Identifiers: ClinVar variation 2056290 (VCV002056290.4), dbSNP rs2116992102, ClinGen allele CA368986353.

ClinVar aggregate classification (germline): Uncertain significance (1 of 4 stars; one submission).

Conditions:
Renal cell carcinoma. Identifiers: Orphanet 217071, MedGen C0007134, MeSH D002292, MONDO:0005086, HP:0005584.

Submission:

Labcorp Genetics (formerly Invitae), Labcorp
Classification: Uncertain significance for Renal cell carcinoma. Last evaluated: 2021-12-23. Review status: criteria provided, single submitter. Criteria: Invitae Variant Classification Sherloc (09022015). Collection method: clinical testing. Allele origin: germline.
Comment: This sequence change replaces threonine, which is neutral and polar, with proline, which is neutral and non-polar, at codon 950 of the MET protein (p.Thr950Pro). This variant is not present in population databases (gnomAD no frequency). This variant has not been reported in the literature in individuals affected with MET-related conditions. Algorithms developed to predict the effect of missense changes on protein structure and function are either unavailable or do not agree on the potential impact of this missense change (SIFT: "Tolerated"; PolyPhen-2: "Possibly Damaging"; Align-GVGD: "Class C0"). In summary, the available evidence is currently insufficient to determine the role of this variant in disease. Therefore, it has been classified as a Variant of Uncertain Significance.